The following is an entry in ClinVar:

NM_033100.4(CDHR1):c.1782+1G>A

Gene: CDHR1 (cadherin related family member 1; plus strand). Cytogenetic location: 10q23.1.
Variant type: single nucleotide variant.
Coding change: c.1782+1G>A on transcript NM_033100.4 (MANE Select); the canonical splice donor site of the intron after coding-DNA position 1782, G replaced by A.
Molecular consequence: splice donor variant.
Genome position (GRCh38, 1-based): chr10:84,212,408, G>A. VCF-style: chr10-84212408-G-A. GRCh37 (hg19) VCF-style: chr10-85972164-G-A.
Other names: c.1782+1G>A (NM_001171971.3).
Identifiers: ClinVar variation 2959017 (VCV002959017.3), dbSNP rs2492539884, ClinGen allele CA377378230.
Genomic context (GRCh38, chr10:84,212,408, plus strand): 5'-CAGTTTGGAAAGAGCGTTCAGAAGAAGACGATGGTGCTAGGGACCCCAGTGAAAATTGAG[G>A]TAAGTTTTGGAGGCAGCTGAGCTCCCCTAAAAGCCTGGGTCCAGCAGCTCCAAGAGATAC-3'

ClinVar aggregate classification (germline): Likely pathogenic (1 of 4 stars; one submission).

Submission:

Labcorp Genetics (formerly Invitae), Labcorp
Classification: Likely pathogenic. Last evaluated: 2024-11-05. Review status: criteria provided, single submitter. Criteria: Invitae Variant Classification Sherloc (09022015). Collection method: clinical testing. Allele origin: germline.
Comment: This sequence change affects a donor splice site in intron 15 of the CDHR1 gene. It is expected to disrupt RNA splicing. Variants that disrupt the donor or acceptor splice site typically lead to a loss of protein function (PMID: 16199547), and loss-of-function variants in CDHR1 are known to be pathogenic (PMID: 23044944, 23591405, 26103963, 26261414). This variant is not present in population databases (gnomAD no frequency). This variant has not been reported in the literature in individuals affected with CDHR1-related conditions. ClinVar contains an entry for this variant (Variation ID: 2959017). Algorithms developed to predict the effect of sequence changes on RNA splicing suggest that this variant may disrupt the consensus splice site. In summary, the currently available evidence indicates that the variant is pathogenic, but additional data are needed to prove that conclusively. Therefore, this variant has been classified as Likely Pathogenic.

Literature cited by the submitters: PubMed 16199547; PubMed 23044944; PubMed 23591405; PubMed 26103963; PubMed 26261414.